The following is an entry in ClinVar:

NM_133510.4(RAD51B):c.916A>G (p.Thr306Ala)

Gene: RAD51B (RAD51 paralog B; plus strand). Cytogenetic location: 14q24.1.
Variant type: single nucleotide variant.
Coding change: c.916A>G on transcript NM_133510.4 (MANE Select); coding-DNA position 916, A replaced by G.
Protein change: p.Thr306Ala; replaces threonine 306 with alanine.
Molecular consequence: missense variant.
Genome position (GRCh38, 1-based): chr14:68,411,486, A>G. VCF-style: chr14-68411486-A-G. GRCh37 (hg19) VCF-style: chr14-68878203-A-G.
Other names: c.916A>G, p.Thr306Ala (NM_001321809.2, NM_001321810.2, NM_001321812.1 and 6 more transcripts); c.802A>G, p.Thr268Ala (NM_001321815.1); c.559A>G, p.Thr187Ala (NM_001321817.2); short protein forms T187A, T268A, T306A.
Identifiers: ClinVar variation 3786375 (VCV003786375.1).

ClinVar aggregate classification (germline): Uncertain significance (1 of 4 stars; one submission).

Submission:

Ambry Genetics
Classification: Uncertain significance. Last evaluated: 2024-12-14. Review status: criteria provided, single submitter. Criteria: Ambry Variant Classification Scheme 2023. Collection method: clinical testing. Allele origin: germline.
Comment: The p.T306A variant (also known as c.916A>G), located in coding exon 8 of the RAD51B gene, results from an A to G substitution at nucleotide position 916. The threonine at codon 306 is replaced by alanine, an amino acid with similar properties. This amino acid position is conserved. In addition, this alteration is predicted to be tolerated by in silico analysis. Based on the available evidence, the clinical significance of this variant remains unclear.